The following is an entry in ClinVar:

ClinVar aggregate classification (germline): Likely benign. Review status: criteria provided, multiple submitters, no conflicts (2 of 4 stars). 2 submissions from 2 submitters: Likely benign (2). Last evaluated 2025-04-02.

Conditions:
Charcot-Marie-Tooth disease type 2. Also called: Charcot-Marie-Tooth type 2. Identifiers: Orphanet 64746, MedGen C0270914, MONDO:0018993.

gnomAD v4.1: 12 of 1,612,502 alleles (0.00074%); highest among the groups gnomAD compares: African/African-American, 0.0027%; no homozygotes.

Submissions (2):

Labcorp Genetics (formerly Invitae), Labcorp
Classification: Likely benign for Charcot-Marie-Tooth disease type 2. Last evaluated: 2025-04-02. Review status: criteria provided, single submitter. Criteria: Invitae Variant Classification Sherloc (09022015). Collection method: clinical testing. Allele origin: germline.

GeneDx
Classification: Likely benign. Last evaluated: 2016-01-09. Review status: criteria provided, single submitter. Criteria: GeneDx Variant Classification (06012015). Collection method: clinical testing. Allele origin: germline. Affected: yes.
Comment: This variant is considered likely benign or benign based on one or more of the following criteria: it is a conservative change, it occurs at a poorly conserved position in the protein, it is predicted to be benign by multiple in silico algorithms, and/or has population frequency not consistent with disease.

NM_030973.4(MED25):c.597C>T (p.Ala199=)

Gene: MED25 (mediator complex subunit 25; plus strand). Cytogenetic location: 19q13.33.
Variant type: single nucleotide variant.
Coding change: c.597C>T on transcript NM_030973.4 (MANE Select); coding-DNA position 597, C replaced by T.
Protein change: p.Ala199=; no amino-acid change (alanine 199 retained).
Molecular consequence: synonymous variant.
Genome position (GRCh38, 1-based): chr19:49,829,857, C>T. VCF-style: chr19-49829857-C-T. GRCh37 (hg19) VCF-style: chr19-50333114-C-T.
Other names: c.597C>T, p.Ala199= (NM_001378355.1).
Identifiers: ClinVar variation 382522 (VCV000382522.5), dbSNP rs149788020, ClinGen allele CA16608301.
Genomic context (GRCh38, chr19:49,829,857, plus strand): 5'-CTTCTCCATTGTGTCTCCCCGGAAGCTGCCTGCGCTTCGGCTTCTGTTTGAGAAGGCAGC[C>T]CCCCCGGCCTTGCTGGAGCCGCTGCAGCCTCCGACAGATGTGAGCCAGGACCCGAGGCAC-3'
Protein context (NP_112235.2, residues 189-209): PALRLLFEKA[Ala199=]PPALLEPLQP